The following is an entry in ClinVar:

ClinVar aggregate classification (germline): Uncertain significance (1 of 4 stars; one submission).

Conditions:
Congenital neutropenia-myelofibrosis-nephromegaly syndrome. Also called: Severe congenital neutropenia 5, autosomal recessive. Identifiers: Orphanet 369852, MedGen C3809031, MONDO:0014118, OMIM 615285.

gnomAD v4.1: 10 of 1,613,880 alleles (0.00062%); highest among the groups gnomAD compares: African/African-American, 0.0013%; no homozygotes.

Submission:

Labcorp Genetics (formerly Invitae), Labcorp
Classification: Uncertain significance for Congenital neutropenia-myelofibrosis-nephromegaly syndrome. Last evaluated: 2025-06-12. Review status: criteria provided, single submitter. Criteria: Invitae Variant Classification Sherloc (09022015). Collection method: clinical testing. Allele origin: germline.
Comment: This sequence change replaces arginine, which is basic and polar, with cysteine, which is neutral and slightly polar, at codon 386 of the VPS45 protein (p.Arg386Cys). This variant is present in population databases (no rsID available, gnomAD 0.007%). This variant has not been reported in the literature in individuals affected with VPS45-related conditions. Invitae Evidence Modeling of protein sequence and biophysical properties (such as structural, functional, and spatial information, amino acid conservation, physicochemical variation, residue mobility, and thermodynamic stability) indicates that this missense variant is not expected to disrupt VPS45 protein function with a negative predictive value of 80%. In summary, the available evidence is currently insufficient to determine the role of this variant in disease. Therefore, it has been classified as a Variant of Uncertain Significance.

NM_007259.5(VPS45):c.1156C>T (p.Arg386Cys)

Gene: VPS45 (vacuolar protein sorting 45 homolog; plus strand). Cytogenetic location: 1q21.2.
Variant type: single nucleotide variant.
Coding change: c.1156C>T on transcript NM_007259.5 (MANE Select); coding-DNA position 1156, C replaced by T.
Protein change: p.Arg386Cys; replaces arginine 386 with cysteine.
Molecular consequence: missense variant. On other transcripts: non-coding transcript variant (1).
Genome position (GRCh38, 1-based): chr1:150,091,988, C>T. VCF-style: chr1-150091988-C-T. GRCh37 (hg19) VCF-style: chr1-150064082-C-T.
Other names: c.841C>T, p.Arg281Cys (NM_001279353.2); c.1048C>T, p.Arg350Cys (NM_001279354.2); short protein forms R350C, R281C, R386C.
Identifiers: ClinVar variation 4752909 (VCV004752909.1).